The following is an entry in ClinVar:

NM_015909.4(NBAS):c.6893del (p.Lys2298fs)

Gene: NBAS (NBAS subunit of NRZ tethering complex; minus strand). Cytogenetic location: 2p24.3.
Variant type: Deletion.
Coding change: c.6893del on transcript NM_015909.4 (MANE Select); coding-DNA position 6893, one base deleted (A; older notation c.6893delA).
Protein change: p.Lys2298fs; shifts the reading frame from lysine 2298.
Molecular consequence: frameshift variant. On other transcripts: non-coding transcript variant (1).
Genome position (GRCh38, 1-based): chr2:15,167,271, T deleted on the plus strand (A on the coding strand, the reverse complement: NBAS is on the minus strand); the first of 2 consecutive T bases (chr2:15,167,271-15,167,272); deleting either gives the same sequence. VCF-style (leftmost placement, unchanged base first): chr2-15167270-CT-C. GRCh37 (hg19) VCF-style: chr2-15307394-CT-C.
Other names: c.6893delA (NM_015909.3); short protein forms K2298fs.
Identifiers: ClinVar variation 4953587 (VCV004953587.2).

ClinVar aggregate classification (germline): Likely pathogenic. Review status: criteria provided, multiple submitters, no conflicts (2 of 4 stars). 2 submissions from 2 submitters: Likely pathogenic (2). Last evaluated 2026-01-13.

Conditions:
NBAS-related disorder. Also called: NBAS-related condition.

Submissions (2):

PreventionGenetics, part of Exact Sciences
Classification: Likely pathogenic for NBAS-related condition. Last evaluated: 2026-01-13. Review status: criteria provided, single submitter. Criteria: ACMG Guidelines, 2015. Collection method: clinical testing. Allele origin: germline.
Comment: The NBAS c.6893delA variant is predicted to result in a frameshift and premature protein termination (p.Lys2298Serfs*4). This variant resides in the final exon of NBAS, and it is unclear if the resulting mRNA would undergo nonsense-mediated decay. However, a truncating variant downstream of this variant has been reported in the compound heterozygous state in an individual with optic atrophy and motor delay (biallelic variants c.6966_6969delinsTC and c.5547delC, Staufner et al. 2020. PubMed ID: 31761904). To our knowledge, this variant has not been reported in the literature or in a large population database (gnomAD), indicating this variant is rare. Taken together, this variant is interpreted as likely pathogenic.

Blueprint Genetics
Classification: Likely pathogenic for NBAS-related disorders. Last evaluated: 2021-07-09. Review status: criteria provided, single submitter. Criteria: ACMG Guidelines, 2015. Collection method: clinical testing. Allele origin: germline. Affected: yes. Observed: 1 variant allele.